The following is an entry in ClinVar:

ClinVar aggregate classification (germline): Uncertain significance (1 of 4 stars; one submission).

Conditions:
Methylmalonic acidemia due to transcobalamin receptor defect (MATR). Also called: METHYLMALONIC ACIDEMIA, TCblR TYPE; METHYLMALONIC ACIDURIA, TRANSIENT, DUE TO TRANSCOBALAMIN RECEPTOR DEFECT. Identifiers: Orphanet 280183, MedGen C4749905, MONDO:0013341, OMIM 613646.

Submission:

Labcorp Genetics (formerly Invitae), Labcorp
Classification: Uncertain significance for Methylmalonic acidemia due to transcobalamin receptor defect. Last evaluated: 2024-04-10. Review status: criteria provided, single submitter. Criteria: Invitae Variant Classification Sherloc (09022015). Collection method: clinical testing. Allele origin: germline.
Comment: This sequence change replaces leucine, which is neutral and non-polar, with phenylalanine, which is neutral and non-polar, at codon 148 of the CD320 protein (p.Leu148Phe). This variant is not present in population databases (gnomAD no frequency). This variant has not been reported in the literature in individuals affected with CD320-related conditions. An algorithm developed to predict the effect of missense changes on protein structure and function (PolyPhen-2) suggests that this variant is likely to be tolerated. In summary, the available evidence is currently insufficient to determine the role of this variant in disease. Therefore, it has been classified as a Variant of Uncertain Significance.

NM_016579.4(CD320):c.442C>T (p.Leu148Phe)

Gene: CD320 (CD320 molecule; minus strand). Cytogenetic location: 19p13.2.
Variant type: single nucleotide variant.
Coding change: c.442C>T on transcript NM_016579.4 (MANE Select); coding-DNA position 442, C replaced by T.
Protein change: p.Leu148Phe; replaces leucine 148 with phenylalanine.
Molecular consequence: missense variant.
Genome position (GRCh38, 1-based): chr19:8,303,915, G>A on the plus strand (C>T on the coding strand, the complement: CD320 is on the minus strand). VCF-style: chr19-8303915-G-A. GRCh37 (hg19) VCF-style: chr19-8368799-G-A.
Other names: c.316C>T, p.Leu106Phe (NM_001165895.2); short protein forms L106F, L148F.
Identifiers: ClinVar variation 3649147 (VCV003649147.2).